The following is an entry in ClinVar:

NM_000642.3(AGL):c.3985A>G (p.Arg1329Gly)

Gene: AGL (amylo-alpha-1,6-glucosidase and 4-alpha-glucanotransferase; plus strand). Cytogenetic location: 1p21.2.
Variant type: single nucleotide variant.
Coding change: c.3985A>G on transcript NM_000642.3 (MANE Select); coding-DNA position 3985, A replaced by G.
Protein change: p.Arg1329Gly; replaces arginine 1329 with glycine.
Molecular consequence: missense variant.
Genome position (GRCh38, 1-based): chr1:99,913,562, A>G. VCF-style: chr1-99913562-A-G. GRCh37 (hg19) VCF-style: chr1-100379118-A-G.
Other names: c.3985A>G, p.Arg1329Gly (NM_000028.3, NM_000643.3, NM_000644.3 and 1 more transcripts); c.3937A>G, p.Arg1313Gly (NM_000646.3); c.3964A>G, p.Arg1322Gly (NM_001425326.1); c.3784A>G, p.Arg1262Gly (NM_001425327.1); c.3781A>G, p.Arg1261Gly (NM_001425328.1); c.3646A>G, p.Arg1216Gly (NM_001425329.1); c.3607A>G, p.Arg1203Gly (NM_001425332.1); short protein forms R1329G, R1313G, R1203G, R1216G, R1261G, R1262G, R1322G.
Identifiers: ClinVar variation 639017 (VCV000639017.7), dbSNP rs777095374, ClinGen allele CA967283.

ClinVar aggregate classification (germline): Uncertain significance. Review status: criteria provided, multiple submitters, no conflicts (2 of 4 stars). 3 submissions from 3 submitters: Uncertain significance (2). 1 of the submissions does not count toward it. Last evaluated 2025-05-04.

Conditions:
Glycogen storage disease type III (GSD3). Also called: Cori disease; FORBES DISEASE. Identifiers: Orphanet 366, MedGen C0017922, MONDO:0009291, OMIM 232400.

Allele frequency attached by ClinVar (database versions not stated): ExAC 0.00004; gnomAD exomes 0.00004 and 0.00006; gnomAD 0.00006 and 0.00007; TOPMed 0.00006.
gnomAD v4.1: 68 of 1,614,008 alleles (0.0042%); highest among the groups gnomAD compares: Admixed American, 0.01%; no homozygotes.

Submissions (3):

Revvity Omics, Revvity
Classification: Uncertain significance for Glycogen storage disease type III. Last evaluated: 2025-05-04. Review status: criteria provided, single submitter. Criteria: ACMG Guidelines, 2015. Collection method: clinical testing. Allele origin: germline.

Labcorp Genetics (formerly Invitae), Labcorp
Classification: Uncertain significance for Glycogen storage disease type III. Last evaluated: 2022-09-26. Review status: criteria provided, single submitter. Criteria: Invitae Variant Classification Sherloc (09022015). Collection method: clinical testing. Allele origin: germline.
Comment: This sequence change replaces arginine, which is basic and polar, with glycine, which is neutral and non-polar, at codon 1329 of the AGL protein (p.Arg1329Gly). This variant is present in population databases (rs777095374, gnomAD 0.01%). This variant has not been reported in the literature in individuals affected with AGL-related conditions. ClinVar contains an entry for this variant (Variation ID: 639017). Advanced modeling of protein sequence and biophysical properties (such as structural, functional, and spatial information, amino acid conservation, physicochemical variation, residue mobility, and thermodynamic stability) performed at Invitae indicates that this missense variant is not expected to disrupt AGL protein function. In summary, the available evidence is currently insufficient to determine the role of this variant in disease. Therefore, it has been classified as a Variant of Uncertain Significance.

Natera, Inc.
Classification: Uncertain significance for Glycogen storage disease type III. Last evaluated: 2020-01-17. Review status: no assertion criteria provided. Collection method: clinical testing. Allele origin: germline. Not counted in ClinVar's aggregate classification.